The following is an entry in ClinVar:

ClinVar aggregate classification (germline): Uncertain significance. Review status: criteria provided, multiple submitters, no conflicts (2 of 4 stars). 4 submissions from 4 submitters: Uncertain significance (4). Last evaluated 2024-07-29.

Conditions:
Amelogenesis imperfecta (AI). Also called: Congenital enamel hypoplasia. Identifiers: Orphanet 88661, MedGen C0002452, MONDO:0019507, HP:0000705.

Allele frequency attached by ClinVar (database versions not stated): TOPMed 0.00025; gnomAD 0.00026; ESP Exome Variant Server 0.00031.

Submissions (4):

Blueprint Genetics
Classification: Uncertain significance. Last evaluated: 2024-07-29. Review status: criteria provided, single submitter. Criteria: ACMG Guidelines, 2015. Collection method: clinical testing. Allele origin: germline.

GeneDx
Classification: Uncertain significance. Last evaluated: 2024-03-08. Review status: criteria provided, single submitter. Criteria: GeneDx Variant Classification Process June 2021. Collection method: clinical testing. Allele origin: germline. Affected: yes.
Comment: Reported in a patient with microcephaly, intellectual disability, inability to walk, and nonverbal who also had multiple variants in other genes, including de novo variants (PMID: 25356899); In silico analysis supports that this missense variant has a deleterious effect on protein structure/function; This variant is associated with the following publications: (PMID: 26740555, 28719003, 25356899)

Illumina Laboratory Services, Illumina
Classification: Uncertain significance for Amelogenesis imperfecta. Last evaluated: 2018-01-13. Review status: criteria provided, single submitter. Criteria: ICSL Variant Classification Criteria 13 December 2019. Collection method: clinical testing. Allele origin: germline.

Breakthrough Genomics
Classification: Uncertain significance. Review status: criteria provided, single submitter. Criteria: ACMG Guidelines, 2015. Collection method: not provided. Allele origin: germline. Inheritance: Autosomal recessive inheritance. Affected: yes.

NM_031889.3(ENAM):c.3277C>T (p.Pro1093Ser)

Gene: ENAM (enamelin; plus strand). Cytogenetic location: 4q13.3.
Variant type: single nucleotide variant.
Coding change: c.3277C>T on transcript NM_031889.3 (MANE Select); coding-DNA position 3277, C replaced by T.
Protein change: p.Pro1093Ser; replaces proline 1093 with serine.
Molecular consequence: missense variant.
Genome position (GRCh38, 1-based): chr4:70,644,703, C>T. VCF-style: chr4-70644703-C-T. GRCh37 (hg19) VCF-style: chr4-71510420-C-T.
Other names: c.2623C>T, p.Pro875Ser (NM_001368133.1); short protein forms P1093S, P875S.
Identifiers: ClinVar variation 349508 (VCV000349508.8), dbSNP rs35951442, ClinGen allele CA2952440.
Genomic context (GRCh38, chr4:70,644,703, plus strand): 5'-CCATCTAGCGATGGAAGGCAAAGCCCATTTGATGGGGATTCAATTACGCCTACTGAAAAT[C>T]CTAACACATTGGTTGAGTTAGCTACTGAGGAACAATTTAAGAGTATAAATGTAGACCCAC-3'
Protein context (NP_114095.2, residues 1083-1103): DGDSITPTEN[Pro1093Ser]NTLVELATEE